The following is an entry in ClinVar:

NM_003835.4(RGS9):c.1646G>A (p.Arg549His)

Gene: RGS9 (regulator of G protein signaling 9; plus strand). Cytogenetic location: 17q24.1.
Variant type: single nucleotide variant.
Coding change: c.1646G>A on transcript NM_003835.4 (MANE Select); coding-DNA position 1646, G replaced by A.
Protein change: p.Arg549His; replaces arginine 549 with histidine.
Molecular consequence: missense variant.
Genome position (GRCh38, 1-based): chr17:65,225,240, G>A. VCF-style: chr17-65225240-G-A. GRCh37 (hg19) VCF-style: chr17-63221358-G-A.
Other names: c.1637G>A, p.Arg546His (NM_001081955.3); c.1646G>A (NM_003835.3); short protein forms R546H, R549H.
Identifiers: ClinVar variation 1021157 (VCV001021157.7), dbSNP rs763610215, ClinGen allele CA8718111.

ClinVar aggregate classification (germline): Uncertain significance. Review status: criteria provided, multiple submitters, no conflicts (2 of 4 stars). 2 submissions from 2 submitters: Uncertain significance (2). Last evaluated 2025-07-15.

Conditions:
Inborn genetic diseases. Identifiers: MedGen C0950123, MeSH D030342.

Allele frequency attached by ClinVar (database versions not stated): gnomAD 0.00001 and 0.00002; TOPMed 0.00002; gnomAD exomes 0.00003 and 0.00006; ExAC 0.00009; 1000 Genomes Project 30x 0.00016.

Submissions (2):

Ambry Genetics
Classification: Uncertain significance for Inborn genetic diseases. Last evaluated: 2025-07-15. Review status: criteria provided, single submitter. Criteria: Ambry Variant Classification Scheme 2023. Collection method: clinical testing. Allele origin: germline.

Labcorp Genetics (formerly Invitae), Labcorp
Classification: Uncertain significance. Last evaluated: 2022-07-11. Review status: criteria provided, single submitter. Criteria: Invitae Variant Classification Sherloc (09022015). Collection method: clinical testing. Allele origin: germline.
Comment: This sequence change replaces arginine, which is basic and polar, with histidine, which is basic and polar, at codon 549 of the RGS9 protein (p.Arg549His). This variant is present in population databases (rs763610215, gnomAD 0.01%). This variant has not been reported in the literature in individuals affected with RGS9-related conditions. ClinVar contains an entry for this variant (Variation ID: 1021157). Algorithms developed to predict the effect of missense changes on protein structure and function output the following: SIFT: "Tolerated"; PolyPhen-2: "Benign"; Align-GVGD: "Class C0". The histidine amino acid residue is found in multiple mammalian species, which suggests that this missense change does not adversely affect protein function. In summary, the available evidence is currently insufficient to determine the role of this variant in disease. Therefore, it has been classified as a Variant of Uncertain Significance.